The following is an entry in ClinVar:

NM_001211.6(BUB1B):c.1151G>C (p.Ser384Thr)

Gene: BUB1B (BUB1 mitotic checkpoint serine/threonine kinase B; plus strand). Cytogenetic location: 15q15.1.
Variant type: single nucleotide variant.
Coding change: c.1151G>C on transcript NM_001211.6 (MANE Select); coding-DNA position 1151, G replaced by C.
Protein change: p.Ser384Thr; replaces serine 384 with threonine.
Molecular consequence: missense variant.
Genome position (GRCh38, 1-based): chr15:40,196,637, G>C. VCF-style: chr15-40196637-G-C. GRCh37 (hg19) VCF-style: chr15-40488838-G-C.
Other names: short protein forms S384T.
Identifiers: ClinVar variation 2450825 (VCV002450825.2), dbSNP rs2037501230, ClinGen allele CA391687194.

ClinVar aggregate classification (germline): Uncertain significance (1 of 4 stars; one submission).

Conditions:
Inborn genetic diseases. Identifiers: MedGen C0950123, MeSH D030342.

Submission:

Ambry Genetics
Classification: Uncertain significance for Inborn genetic diseases. Last evaluated: 2023-01-16. Review status: criteria provided, single submitter. Criteria: Ambry Variant Classification Scheme 2023. Collection method: clinical testing. Allele origin: germline.
Comment: The p.S384T variant (also known as c.1151G>C), located in coding exon 9 of the BUB1B gene, results from a G to C substitution at nucleotide position 1151. The serine at codon 384 is replaced by threonine, an amino acid with similar properties. This amino acid position is conserved. In addition, this alteration is predicted to be tolerated by in silico analysis. Since supporting evidence is limited at this time, the clinical significance of this alteration remains unclear.